The following is an entry in ClinVar:

ClinVar aggregate classification (germline): Uncertain significance (1 of 4 stars; one submission).

Conditions:
Lowe syndrome (OCRL). Also called: LOWE OCULOCEREBRORENAL SYNDROME; PHOSPHATIDYLINOSITOL 4,5-BISPHOSPHATE 5-PHOSPHATASE DEFICIENCY; Oculocerebrorenal Syndrome. Identifiers: Orphanet 534, MedGen C0028860, MONDO:0010645, OMIM 309000.

Allele frequency attached by ClinVar (database versions not stated): gnomAD 0.00001; gnomAD exomes 0.00001; TOPMed 0.00001.

Submission:

Labcorp Genetics (formerly Invitae), Labcorp
Classification: Uncertain significance for Lowe syndrome. Last evaluated: 2024-08-12. Review status: criteria provided, single submitter. Criteria: Invitae Variant Classification Sherloc (09022015). Collection method: clinical testing. Allele origin: germline.
Comment: This sequence change replaces alanine, which is neutral and non-polar, with threonine, which is neutral and polar, at codon 529 of the OCRL protein (p.Ala529Thr). This variant is present in population databases (no rsID available, gnomAD 0.006%). This variant has not been reported in the literature in individuals affected with OCRL-related conditions. ClinVar contains an entry for this variant (Variation ID: 1407400). Advanced modeling of protein sequence and biophysical properties (such as structural, functional, and spatial information, amino acid conservation, physicochemical variation, residue mobility, and thermodynamic stability) has been performed at Invitae for this missense variant, however the output from this modeling did not meet the statistical confidence thresholds required to predict the impact of this variant on OCRL protein function. In summary, the available evidence is currently insufficient to determine the role of this variant in disease. Therefore, it has been classified as a Variant of Uncertain Significance.

NM_000276.4(OCRL):c.1585G>A (p.Ala529Thr)

Gene: OCRL (OCRL inositol polyphosphate-5-phosphatase; plus strand). Cytogenetic location: Xq26.1.
Variant type: single nucleotide variant.
Coding change: c.1585G>A on transcript NM_000276.4 (MANE Select); coding-DNA position 1585, G replaced by A.
Protein change: p.Ala529Thr; replaces alanine 529 with threonine.
Molecular consequence: missense variant.
Genome position (GRCh38, 1-based): chrX:129,569,382, G>A. VCF-style: chrX-129569382-G-A. GRCh37 (hg19) VCF-style: chrX-128703359-G-A.
Other names: c.1588G>A, p.Ala530Thr (NM_001318784.2); c.1585G>A, p.Ala529Thr (NM_001587.4); short protein forms A530T, A529T.
Identifiers: ClinVar variation 1407400 (VCV001407400.6), dbSNP rs1219583539, ClinGen allele CA414616555.